The following is an entry in ClinVar:

ClinVar aggregate classification (germline): Uncertain significance (1 of 4 stars; one submission).

Conditions:
Familial juvenile hyperuricemic nephropathy type 1 (ADTKD1). Also called: Autosomal Dominant Tubulointerstitial Kidney Disease – UMOD; Glomerulocystic kidney disease with hyperuricemia and isosthenuria; Medullary cystic kidney disease 2; UMOD-Associated Kidney Disease; Uromodulin-associated kidney disease. Identifiers: Orphanet 209886, Orphanet 34149, Orphanet 88950, MedGen C4551496, MONDO:0008073, OMIM 162000.

Allele frequency attached by ClinVar (database versions not stated): gnomAD 0.00001; TOPMed 0.00001.
gnomAD v4.1: 5 of 1,614,050 alleles (0.00031%); highest among the groups gnomAD compares: African/African-American, 0.0013%; no homozygotes.

Submission:

Victorian Clinical Genetics Services, Murdoch Childrens Research Institute
Classification: Uncertain significance for Familial juvenile hyperuricemic nephropathy type 1. Last evaluated: 2023-07-17. Review status: criteria provided, single submitter. Criteria: ACMG Guidelines, 2015. Collection method: clinical testing. Allele origin: germline. Inheritance: Autosomal dominant inheritance.
Comment: Based on the classification scheme VCGS_Germline_v1.3.4, this variant is classified as VUS-3B. Following criteria are met: 0104 - Dominant negative is a known mechanism of disease in this gene and is associated with UMOD-related tubulointerstitial kidney disease, familial juvenile hyperuricemic nephropathy 1 (MIM#162000), glomerulocystic kidney disease with hyperuricemia and isosthenuria (MIM#609886) and medullary cystic kidney disease 2 (MIM#603860). Missense variants have been shown to impair wildtype protein localization (PMID: 28990932; PMID: 22117067). (I) 0107 - This gene is associated with autosomal dominant disease. (I) 0115 - Variants in this gene are known to have variable expressivity (PMID: 21868615). (I) 0200 - Variant is predicted to result in a missense amino acid change from arginine to threonine. (I) 0251 - This variant is heterozygous. (I) 0302 - Variant is present in gnomAD (v3) <0.001 for a dominant condition (1 heterozygote, 0 homozygotes). (SP) 0502 - Missense variant with conflicting in silico predictions and uninformative conservation. (I) 0600 - Variant is located in the annotated zona pellucida domain (NCBI, PDB). (I) 0705 - No comparable missense variants have previous evidence for pathogenicity. (I) 0807 - This variant has no previous evidence of pathogenicity. (I) 0905 - No published segregation evidence has been identified for this variant. (I) 1007 - No published functional evidence has been identified for this variant. (I) 1208 - Inheritance information for this variant is not currently available in this individual. (I) Legend: (SP) - Supporting pathogenic, (I) - Information, (SB) - Supporting benign

Literature cited by the submitters: PubMed 21868615; PubMed 22117067; PubMed 28990932.

NM_003361.4(UMOD):c.1592G>C (p.Arg531Thr)

Gene: UMOD (uromodulin; minus strand). Cytogenetic location: 16p12.3.
Variant type: single nucleotide variant.
Coding change: c.1592G>C on transcript NM_003361.4 (MANE Select); coding-DNA position 1592, G replaced by C.
Protein change: p.Arg531Thr; replaces arginine 531 with threonine.
Molecular consequence: missense variant. On other transcripts: non-coding transcript variant (1).
Genome position (GRCh38, 1-based): chr16:20,337,439, C>G on the plus strand (G>C on the coding strand, the complement: UMOD is on the minus strand). VCF-style: chr16-20337439-C-G. GRCh37 (hg19) VCF-style: chr16-20348761-C-G.
Other names: c.1592G>C, p.Arg531Thr (NM_001008389.3, NM_001378232.1, NM_001378233.1); c.1691G>C, p.Arg564Thr (NM_001278614.2); c.1733G>C, p.Arg578Thr (NM_001378234.1, NM_001378235.1); short protein forms R531T, R564T, R578T.
Identifiers: ClinVar variation 3254932 (VCV003254932.1), dbSNP rs1964950066.